The following is an entry in ClinVar:

NM_004431.5(EPHA2):c.1814C>T (p.Thr605Ile)

Gene: EPHA2 (EPH receptor A2; minus strand). Cytogenetic location: 1p36.13.
Variant type: single nucleotide variant.
Coding change: c.1814C>T on transcript NM_004431.5 (MANE Select); coding-DNA position 1814, C replaced by T.
Protein change: p.Thr605Ile; replaces threonine 605 with isoleucine.
Molecular consequence: missense variant.
Genome position (GRCh38, 1-based): chr1:16,133,531, G>A on the plus strand (C>T on the coding strand, the complement: EPHA2 is on the minus strand). VCF-style: chr1-16133531-G-A. GRCh37 (hg19) VCF-style: chr1-16460026-G-A.
Other names: c.1652C>T, p.Thr551Ile (NM_001329090.2); short protein forms T551I, T605I.
Identifiers: ClinVar variation 876742 (VCV000876742.5), dbSNP rs753345828, ClinGen allele CA625041.
Genomic context (GRCh38, chr1:16,133,531, plus strand): 5'-CCAACCTCACCTGCTCCGATCACCTTCTGCCGAGTGACACAGGATGGATGGATCTCGGTA[G>A]TGAACTTCAACACAGCCTGGTTGGGGTCCTCATATGTGTGGGGGTCCACGTATGTCTTCA-3'
Protein context (NP_004422.2, residues 595-615): EDPNQAVLKF[Thr605Ile]TEIHPSCVTR

ClinVar aggregate classification (germline): Conflicting classifications of pathogenicity. Review status: criteria provided, conflicting classifications (1 of 4 stars). 2 submissions from 2 submitters: Pathogenic (1); Likely benign (1). Last evaluated 2020-11-19.

Conditions:
EPHA2-related disorders.
Cataract 6 multiple types. Also called: CATARACT 6, POSTERIOR POLAR; CATARACT 6, CONGENITAL TOTAL; CATARACT, AGE-RELATED CORTICAL, 2. Identifiers: Orphanet 91492, MedGen C1861825, MONDO:0007288, OMIM 116600.

Allele frequency attached by ClinVar (database versions not stated): gnomAD 0.00001 and 0.00003; TOPMed 0.00001; gnomAD exomes 0.00002 and 0.00003; ExAC 0.00005.
gnomAD v4.1: 31 of 1,614,160 alleles (0.0019%); highest among the groups gnomAD compares: South Asian, 0.026%; no homozygotes.

Submissions (2):

Blueprint Genetics
Classification: Pathogenic for EPHA2-related disorders. Last evaluated: 2020-11-19. Review status: criteria provided, single submitter. Criteria: ACMG Guidelines, 2015. Collection method: clinical testing. Allele origin: germline. Affected: yes. Observed: 3 variant alleles.

Illumina Laboratory Services, Illumina
Classification: Likely benign for Cataract 6 multiple types. Last evaluated: 2018-01-12. Review status: criteria provided, single submitter. Criteria: ICSL Variant Classification Criteria 13 December 2019. Collection method: clinical testing. Allele origin: germline.
Comment: This variant was observed in the ICSL laboratory as part of a predisposition screen in an ostensibly healthy population. It had not been previously curated by ICSL or reported in the Human Gene Mutation Database (HGMD: prior to June 1st, 2018), and was therefore a candidate for classification through an automated scoring system. Utilizing variant allele frequency, disease prevalence and penetrance estimates, and inheritance mode, an automated score was calculated to assess if this variant is too frequent to cause the disease. Based on the score and internal cut-off values, a variant classified as likely benign is not then subjected to further curation. The score for this variant resulted in a classification of likely benign for this disease.